The following is an entry in ClinVar:

ClinVar aggregate classification (germline): Uncertain significance (1 of 4 stars; one submission).

Conditions:
RASopathy. Also called: rasopathies; Noonan spectrum disorder. Identifiers: Orphanet 536391, MedGen C5555857, MONDO:0021060.

Submission:

Labcorp Genetics (formerly Invitae), Labcorp
Classification: Uncertain significance for RASopathy. Last evaluated: 2024-12-12. Review status: criteria provided, single submitter. Criteria: Invitae Variant Classification Sherloc (09022015). Collection method: clinical testing. Allele origin: germline.
Comment: This sequence change replaces lysine, which is basic and polar, with asparagine, which is neutral and polar, at codon 26 of the SHOC2 protein (p.Lys26Asn). This variant is not present in population databases (gnomAD no frequency). This variant has not been reported in the literature in individuals affected with SHOC2-related conditions. An algorithm developed to predict the effect of missense changes on protein structure and function (PolyPhen-2) suggests that this variant is likely to be disruptive. In summary, the available evidence is currently insufficient to determine the role of this variant in disease. Therefore, it has been classified as a Variant of Uncertain Significance.

NM_007373.4(SHOC2):c.78G>T (p.Lys26Asn)

Gene: SHOC2 (SHOC2 leucine rich repeat scaffold protein; plus strand). Cytogenetic location: 10q25.2.
Variant type: single nucleotide variant.
Coding change: c.78G>T on transcript NM_007373.4 (MANE Select); coding-DNA position 78, G replaced by T.
Protein change: p.Lys26Asn; replaces lysine 26 with asparagine.
Molecular consequence: missense variant.
Genome position (GRCh38, 1-based): chr10:110,964,436, G>T. VCF-style: chr10-110964436-G-T. GRCh37 (hg19) VCF-style: chr10-112724194-G-T.
Other names: c.78G>T, p.Lys26Asn (NM_001269039.3, NM_001324336.2, NM_001324337.2); short protein forms K26N.
Identifiers: ClinVar variation 3727167 (VCV003727167.2).